The following is an entry in ClinVar:

ClinVar aggregate classification (germline): Uncertain significance. Review status: criteria provided, multiple submitters, no conflicts (2 of 4 stars). 2 submissions from 2 submitters: Uncertain significance (2). Last evaluated 2023-10-01.

Conditions:
Short-rib thoracic dysplasia 10 with or without polydactyly (SRTD10). Identifiers: Orphanet 474, MedGen C3810175, MONDO:0014284, OMIM 615630.
Retinitis pigmentosa 71 (RP71). Identifiers: Orphanet 791, MedGen C4225342, MONDO:0014618, OMIM 616394.
Retinal dystrophy. Also called: Inherited retinal dystrophy. Identifiers: Orphanet 71862, MedGen C0854723, MeSH D058499, MONDO:0019118, HP:0000556.

gnomAD v4.1: 2 of 1,614,074 alleles (0.00012%); highest among the groups gnomAD compares: East Asian, 0.0045%; no homozygotes.

Submissions (2):

Dept Of Ophthalmology, Nagoya University
Classification: Uncertain significance for Retinal dystrophy. Last evaluated: 2023-10-01. Review status: criteria provided, single submitter. Criteria: Submitter's publication. Collection method: research. Allele origin: germline. Affected: yes.

Labcorp Genetics (formerly Invitae), Labcorp
Classification: Uncertain significance for Retinitis pigmentosa 71; Short-rib thoracic dysplasia 10 with or without polydactyly. Last evaluated: 2022-07-25. Review status: criteria provided, single submitter. Criteria: Invitae Variant Classification Sherloc (09022015). Collection method: clinical testing. Allele origin: germline.
Comment: This sequence change replaces arginine, which is basic and polar, with glycine, which is neutral and non-polar, at codon 953 of the IFT172 protein (p.Arg953Gly). This variant is not present in population databases (gnomAD no frequency). This variant has not been reported in the literature in individuals affected with IFT172-related conditions. Algorithms developed to predict the effect of missense changes on protein structure and function (SIFT, PolyPhen-2, Align-GVGD) all suggest that this variant is likely to be tolerated. In summary, the available evidence is currently insufficient to determine the role of this variant in disease. Therefore, it has been classified as a Variant of Uncertain Significance.

NM_015662.3(IFT172):c.2857C>G (p.Arg953Gly)

Gene: IFT172 (intraflagellar transport 172; minus strand). Cytogenetic location: 2p23.3.
Variant type: single nucleotide variant.
Coding change: c.2857C>G on transcript NM_015662.3 (MANE Select); coding-DNA position 2857, C replaced by G.
Protein change: p.Arg953Gly; replaces arginine 953 with glycine.
Molecular consequence: missense variant.
Genome position (GRCh38, 1-based): chr2:27,458,799, G>C on the plus strand (C>G on the coding strand, the complement: IFT172 is on the minus strand). VCF-style: chr2-27458799-G-C. GRCh37 (hg19) VCF-style: chr2-27681666-G-C.
Other names: c.2791C>G, p.Arg931Gly (NM_001410739.1); short protein forms R931G, R953G.
Identifiers: ClinVar variation 1959672 (VCV001959672.6), dbSNP rs762645007, ClinGen allele CA346381457.